The following is an entry in ClinVar:

ClinVar aggregate classification (germline): Conflicting classifications of pathogenicity. Review status: criteria provided, conflicting classifications (1 of 4 stars). 4 submissions from 4 submitters: Uncertain significance (3); Likely benign (1). Last evaluated 2026-07-20.

Conditions:
Cardiovascular phenotype. Identifiers: MedGen CN230736.
Dilated cardiomyopathy 1DD (CMD1DD). Identifiers: Orphanet 154, MedGen C2750995, MONDO:0013168, OMIM 613172.

Allele frequency attached by ClinVar (database versions not stated): gnomAD 0.00001; gnomAD exomes 0.00001; TOPMed 0.00002.

Submissions (4):

GeneDx
Classification: Uncertain significance. Last evaluated: 2026-07-20. Review status: criteria provided, single submitter. Criteria: GeneDx Variant Classification Process June 2021. Collection method: clinical testing. Allele origin: germline.
Comment: Reported in a patient with Takotsubo syndrome; however, familial segregation information and additional clinical information was not provided (PMID: 28818208); Reported in a patient from a cohort of pediatric patients with cardiomyopathy; however, familial segregation information and additional clinical information was not provided (PMID: 33906374); Not observed at significant frequency in large population cohorts (gnomAD); In silico analysis supports that this missense variant has a deleterious effect on protein structure/function; This variant is associated with the following publications: (PMID: 32746448, 35527250, 30871351, 28818208, 33906374)

Women's Health and Genetics/Laboratory Corporation of America, LabCorp
Classification: Uncertain significance. Last evaluated: 2026-01-16. Review status: criteria provided, single submitter. Criteria: LabCorp Variant Classification Summary - May 2015. Collection method: clinical testing. Allele origin: germline.
Comment: Variant summary: RBM20 c.1040A>G (p.Tyr347Cys) results in a non-conservative amino acid change in the encoded protein sequence. Algorithms developed to predict the effect of missense changes on protein structure and function are either unavailable or do not agree on the potential impact of this missense change. The variant allele was found at a frequency of 6.5e-06 in 154824 control chromosomes. The available data on variant occurrences in the general population are insufficient to allow any conclusion about variant significance. c.1040A>G has been observed in the presumed heterozygous state in individual(s) affected with Dilated Cardiomyopathy, Takotsubo syndrome, and familial or idiopathic cardiomyopathy (example, Borchert_2017, Burstein_2021, Ware_2021). These report(s) do not provide unequivocal conclusions about association of the variant with Dilated Cardiomyopathy. To our knowledge, no experimental evidence demonstrating an impact on protein function has been reported. The following publications have been ascertained in the context of this evaluation (PMID: 28818208, 35527250, 35216067, 32746448, 33906374, 30871351). ClinVar contains an entry for this variant (Variation ID: 202054). Based on the evidence outlined above, the variant was classified as uncertain significance.

Labcorp Genetics (formerly Invitae), Labcorp
Classification: Likely benign for Dilated cardiomyopathy 1DD. Last evaluated: 2025-11-27. Review status: criteria provided, single submitter. Criteria: Invitae Variant Classification Sherloc (09022015). Collection method: clinical testing. Allele origin: germline.

Ambry Genetics
Classification: Uncertain significance for Cardiovascular phenotype. Last evaluated: 2025-03-19. Review status: criteria provided, single submitter. Criteria: Ambry Variant Classification Scheme 2023. Collection method: clinical testing. Allele origin: germline.
Comment: The p.Y347C variant (also known as c.1040A>G), located in coding exon 2 of the RBM20 gene, results from an A to G substitution at nucleotide position 1040. The tyrosine at codon 347 is replaced by cysteine, an amino acid with highly dissimilar properties. This variant has been reported in subjects with dilated cardiomyopathy (DCM) and Takotsubo syndrome (Burstein DS et al. Pediatr Res, 2021 May;89:1470-1476; Borchert T et al. J Am Coll Cardiol, 2017 Aug;70:975-991). This amino acid position is well conserved in available vertebrate species. In addition, the in silico prediction for this alteration is inconclusive. Based on the available evidence, the clinical significance of this variant remains unclear.

Literature cited by the submitters: PubMed 30871351 (cited by Women's Health and Genetics/Laboratory Corporation of America, LabCorp); PubMed 32746448 (cited by Women's Health and Genetics/Laboratory Corporation of America, LabCorp and Ambry Genetics); PubMed 33906374 (cited by Women's Health and Genetics/Laboratory Corporation of America, LabCorp); PubMed 35527250 (cited by Women's Health and Genetics/Laboratory Corporation of America, LabCorp); PubMed 35216067 (cited by Women's Health and Genetics/Laboratory Corporation of America, LabCorp); PubMed 28818208 (cited by Women's Health and Genetics/Laboratory Corporation of America, LabCorp and Ambry Genetics).

NM_001134363.3(RBM20):c.1040A>G (p.Tyr347Cys)

Gene: RBM20 (RNA binding motif protein 20; plus strand). Cytogenetic location: 10q25.2.
Variant type: single nucleotide variant.
Coding change: c.1040A>G on transcript NM_001134363.3 (MANE Select); coding-DNA position 1040, A replaced by G.
Protein change: p.Tyr347Cys; replaces tyrosine 347 with cysteine.
Molecular consequence: missense variant.
Genome position (GRCh38, 1-based): chr10:110,781,649, A>G. VCF-style: chr10-110781649-A-G. GRCh37 (hg19) VCF-style: chr10-112541407-A-G.
Other names: p.Y347C:TAT>TGT; c.1040A>G (LRG_382t1); short protein forms Y347C.
Identifiers: ClinVar variation 202054 (VCV000202054.10), dbSNP rs794729142, ClinGen allele CA335531.
Genomic context (GRCh38, chr10:110,781,649, plus strand): 5'-GCCAAAGCAAGCCTGATCTCACAGCAGGTCCCATGTGGCCTCCACCCCACAACCAGCCCT[A>G]TGAGCTGTACGACCCCGAGGAACCAACCTCAGACAGGACACCTCCTTCCTTCGGGGGTCG-3'
Protein context (NP_001127835.2, residues 337-357): PMWPPPHNQP[Tyr347Cys]ELYDPEEPTS